The following is an entry in ClinVar:

ClinVar aggregate classification (germline): Uncertain significance (1 of 4 stars; one submission).

Conditions:
Hereditary spastic paraplegia 39 (SPG39). Also called: SPASTIC PARAPLEGIA 39, AUTOSOMAL RECESSIVE; Spastic Paraplegia Type 39 (SPG39). Identifiers: Orphanet 139480, MedGen C2677586, MONDO:0012787, OMIM 612020.

Allele frequency attached by ClinVar (database versions not stated): gnomAD exomes below 0.00001.
gnomAD v4.1: 4 of 1,549,630 alleles (0.00026%); highest among the groups gnomAD compares: Non-Finnish European, 0.00035%; no homozygotes.

Submission:

Labcorp Genetics (formerly Invitae), Labcorp
Classification: Uncertain significance for Hereditary spastic paraplegia 39. Last evaluated: 2021-07-04. Review status: criteria provided, single submitter. Criteria: Invitae Variant Classification Sherloc (09022015). Collection method: clinical testing. Allele origin: germline.
Comment: This sequence change replaces glycine with serine at codon 678 of the PNPLA6 protein (p.Gly678Ser). The glycine residue is highly conserved and there is a small physicochemical difference between glycine and serine. The frequency data for this variant in the population databases is considered unreliable, as metrics indicate insufficient coverage at this position in the ExAC database. This variant has not been reported in the literature in individuals affected with PNPLA6-related conditions. Algorithms developed to predict the effect of missense changes on protein structure and function are either unavailable or do not agree on the potential impact of this missense change (SIFT: "Tolerated"; PolyPhen-2: "Probably Damaging"; Align-GVGD: "Class C0"). This variant disrupts a region of the PNPLA6 protein in which other variant(s) (Gly678Arg) have been determined to be pathogenic (PMID: 25480986). This suggests that this is a clinically significant region of the protein, and that variants that disrupt it are likely to be disease-causing. In summary, the available evidence is currently insufficient to determine the role of this variant in disease. Therefore, it has been classified as a Variant of Uncertain Significance.

Literature cited by the submitters: PubMed 25480986.

NM_001166114.2(PNPLA6):c.2149G>A (p.Gly717Ser)

Gene: PNPLA6 (patatin like domain 6, lysophospholipase; plus strand). Cytogenetic location: 19p13.2.
Variant type: single nucleotide variant.
Coding change: c.2149G>A on transcript NM_001166114.2 (MANE Select); coding-DNA position 2149, G replaced by A.
Protein change: p.Gly717Ser; replaces glycine 717 with serine.
Molecular consequence: missense variant.
Genome position (GRCh38, 1-based): chr19:7,551,072, G>A. VCF-style: chr19-7551072-G-A. GRCh37 (hg19) VCF-style: chr19-7615958-G-A.
Other names: c.2176G>A, p.Gly726Ser (NM_001166111.2); c.1954G>A, p.Gly652Ser (NM_001166112.2); c.2032G>A, p.Gly678Ser (NM_001166113.1, NM_006702.5); short protein forms G726S, G717S, G652S, G678S.
Identifiers: ClinVar variation 1365707 (VCV001365707.8), dbSNP rs2146090036, ClinGen allele CA403124629.
Genomic context (GRCh38, chr19:7,551,072, plus strand): 5'-CAGCCGCGAGCCACGACGGTGCACGCGGTGCGCGACACGGAGCTGGCCAAGCTTCCCGAG[G>A]GCACCTTGGGTCACATCAAACGCCGGTACCCGCAGGTGCGGCCTGTTGTGGGCGGGGCAG-3'
Protein context (NP_001159586.1, residues 707-727): RDTELAKLPE[Gly717Ser]TLGHIKRRYP